The following is an entry in ClinVar:

NM_173660.5(DOK7):c.1134G>A (p.Ala378=)

Gene: DOK7 (docking protein 7; plus strand). Cytogenetic location: 4p16.3.
Variant type: single nucleotide variant.
Coding change: c.1134G>A on transcript NM_173660.5 (MANE Select); coding-DNA position 1134, G replaced by A.
Protein change: p.Ala378=; no amino-acid change (alanine 378 retained).
Molecular consequence: synonymous variant. On other transcripts: 3 prime UTR variant (1).
Genome position (GRCh38, 1-based): chr4:3,493,120, G>A. VCF-style: chr4-3493120-G-A. GRCh37 (hg19) VCF-style: chr4-3494847-G-A.
Other names: p.Ala378=; c.*355G>A (NM_001164673.2); c.204G>A, p.Ala68= (NM_001256896.2); c.1134G>A, p.Ala378= (NM_001301071.2); c.702G>A, p.Ala234= (NM_001363811.2).
Identifiers: ClinVar variation 128905 (VCV000128905.23), dbSNP rs6831659, ClinGen allele CA152589.
Genomic context (GRCh38, chr4:3,493,120, plus strand): 5'-CAGCCTGGACGTGTGGCGGGCCACAGATGAACTGGGCTCACTGCTCAGCCTGCCAGCAGC[G>A]GGGGCCCCCGAGCCCAGCCTGTGCACCTGCCTGCCCGGGACAGTCGAGTACCAGGTGCCC-3'
Protein context (NP_775931.3, residues 368-388): ELGSLLSLPA[Ala378=]GAPEPSLCTC

ClinVar aggregate classification (germline): Benign/Likely benign. Review status: criteria provided, multiple submitters, no conflicts (2 of 4 stars). 9 submissions from 9 submitters: Benign (8); Likely benign (1). Last evaluated 2026-02-04.

Conditions:
Fetal akinesia deformation sequence 1 (FADS1). Also called: Pena-Shokeir syndrome type I; Fetal akinesia sequence. Identifiers: Orphanet 994, MedGen C1276035, MONDO:0100101, OMIM 208150, HP:0001989.
Congenital myasthenic syndrome 10. Also called: Myasthenia, limb-girdle, familial. Identifiers: Orphanet 590, MedGen C1850792, MONDO:0009690, OMIM 254300.

Allele frequency attached by ClinVar (database versions not stated): ESP Exome Variant Server 0.12892; TOPMed 0.16047; gnomAD 0.17563; 1000 Genomes Project 30x 0.20175; 1000 Genomes Project 0.21486.
gnomAD v4.1: 330,163 of 1,590,450 alleles (21%); highest among the groups gnomAD compares: East Asian, 51%; 38,311 homozygotes.

Submissions (9):

Labcorp Genetics (formerly Invitae), Labcorp
Classification: Benign for Congenital myasthenic syndrome 10; Fetal akinesia deformation sequence 1. Last evaluated: 2026-02-04. Review status: criteria provided, single submitter. Criteria: Invitae Variant Classification Sherloc (09022015). Collection method: clinical testing. Allele origin: germline.

Blueprint Genetics
Classification: Likely benign. Last evaluated: 2024-11-26. Review status: criteria provided, single submitter. Criteria: ACMG Guidelines, 2015. Collection method: clinical testing. Allele origin: germline.

Women's Health and Genetics/Laboratory Corporation of America, LabCorp
Classification: Benign. Last evaluated: 2021-12-03. Review status: criteria provided, single submitter. Criteria: LabCorp Variant Classification Summary - May 2015. Collection method: clinical testing. Allele origin: germline.

Mayo Clinic Laboratories, Mayo Clinic
Classification: Benign. Last evaluated: 2017-07-24. Review status: criteria provided, single submitter. Criteria: ACMG Guidelines, 2015. Collection method: clinical testing. Allele origin: germline. Observed: 144 variant alleles.

GeneDx
Classification: Benign. Last evaluated: 2016-02-19. Review status: criteria provided, single submitter. Criteria: GeneDx Variant Classification (06012015). Collection method: clinical testing. Allele origin: germline. Affected: yes.
Comment: This variant is considered likely benign or benign based on one or more of the following criteria: it is a conservative change, it occurs at a poorly conserved position in the protein, it is predicted to be benign by multiple in silico algorithms, and/or has population frequency not consistent with disease.

Eurofins Ntd Llc (ga)
Classification: Benign. Last evaluated: 2014-11-23. Review status: criteria provided, single submitter. Criteria: EGL Classification Definitions 2015. Collection method: clinical testing. Allele origin: germline. Observed: 3 variant alleles, 3 heterozygotes.

Genetic Services Laboratory, University of Chicago
Classification: Benign for AllHighlyPenetrant. Last evaluated: 2013-08-15. Review status: criteria provided, single submitter. Criteria: ACMG Guidelines, 2007. Collection method: clinical testing. Allele origin: germline. Inheritance: Autosomal recessive inheritance.

Breakthrough Genomics
Classification: Benign. Review status: criteria provided, single submitter. Criteria: ACMG Guidelines, 2015. Collection method: not provided. Allele origin: germline. Inheritance: Autosomal recessive inheritance. Affected: yes.

PreventionGenetics, part of Exact Sciences
Classification: Benign. Review status: criteria provided, single submitter. Criteria: ACMG Guidelines, 2015. Collection method: clinical testing. Allele origin: germline.